The following is an entry in ClinVar:

ClinVar aggregate classification (germline): Pathogenic (1 of 4 stars; one submission).

Conditions:
Hereditary cancer-predisposing syndrome. Also called: Hereditary Cancer Syndrome; Hereditary neoplastic syndrome; Neoplastic Syndromes, Hereditary; Tumor predisposition. Identifiers: Orphanet 140162, MedGen C0027672, MeSH D009386, MONDO:0015356.

Submission:

Ambry Genetics
Classification: Pathogenic for Hereditary cancer-predisposing syndrome. Last evaluated: 2025-05-08. Review status: criteria provided, single submitter. Criteria: Ambry Variant Classification Scheme 2023. Collection method: clinical testing. Allele origin: germline.
Comment: The c.1074_1078delCAGTA pathogenic mutation, located in coding exon 4 of the MSH6 gene, results from a deletion of 5 nucleotides at nucleotide positions 1074 to 1078, causing a translational frameshift with a predicted alternate stop codon (p.D358Efs*9). This variant is considered to be rare based on population cohorts in the Genome Aggregation Database (gnomAD). This alteration is expected to result in loss of function by premature protein truncation or nonsense-mediated mRNA decay. As such, this alteration is interpreted as a disease-causing mutation.

NM_000179.3(MSH6):c.1074_1078del (p.Asp358fs)

Gene: MSH6 (mutS homolog 6; plus strand). Cytogenetic location: 2p16.3.
Variant type: Deletion.
Coding change: c.1074_1078del on transcript NM_000179.3 (MANE Select); coding-DNA positions 1074 to 1078, 5 bases deleted (CAGTA; older notation c.1074_1078delCAGTA).
Protein change: p.Asp358fs; shifts the reading frame from aspartic acid 358.
Molecular consequence: frameshift variant. On other transcripts: non-coding transcript variant (4), intron variant (1).
Genome position (GRCh38, 1-based): chr2:47,799,057-47,799,061, CAGTA deleted; deleting any 5 consecutive bases within chr2:47,799,056-47,799,061 gives the same sequence; the c. name uses the placement nearest the transcript's 3' end. VCF-style (leftmost placement, unchanged base first): chr2-47799055-GACAGT-G. GRCh37 (hg19) VCF-style: chr2-48026194-GACAGT-G.
Other names: c.684_688del, p.Asp228fs (NM_001281492.2); c.168_172del, p.Asp56fs (NM_001281493.2, NM_001281494.2, NM_001406811.1 and 6 more transcripts); c.1170_1174del, p.Asp390fs (NM_001406795.1, NM_001406802.1); c.1074_1078del, p.Asp358fs (NM_001406796.1, NM_001406798.1, NM_001406800.1 and 4 more transcripts); c.777_781del, p.Asp259fs (NM_001406797.1, NM_001406801.1, NM_001406805.1 and 10 more transcripts); c.549_553del, p.Asp183fs (NM_001406799.1, NM_001406806.1, NM_001406807.1); c.996_1000del, p.Asp332fs (NM_001406804.1); c.1080_1084del, p.Asp360fs (NM_001406813.1); and 2 more; short protein forms D183fs, D228fs, D332fs, D358fs, D56fs, D259fs, D302fs, D390fs.
Identifiers: ClinVar variation 3913695 (VCV003913695.1).